The following is an entry in ClinVar:

NM_153676.4(USH1C):c.2360G>A (p.Arg787Gln)

Gene: USH1C (USH1 protein network component harmonin; minus strand). Cytogenetic location: 11p15.1.
Variant type: single nucleotide variant.
Coding change: c.2360G>A on transcript NM_153676.4 (MANE Select); coding-DNA position 2360, G replaced by A.
Protein change: p.Arg787Gln; replaces arginine 787 with glutamine.
Molecular consequence: missense variant. On other transcripts: non-coding transcript variant (1).
Genome position (GRCh38, 1-based): chr11:17,501,071, C>T on the plus strand (G>A on the coding strand, the complement: USH1C is on the minus strand). VCF-style: chr11-17501071-C-T. GRCh37 (hg19) VCF-style: chr11-17522618-C-T.
Other names: c.1403G>A, p.Arg468Gln (NM_001297764.2); c.1460G>A, p.Arg487Gln (NM_005709.4); short protein forms R487Q, R787Q, R468Q.
Identifiers: ClinVar variation 2139778 (VCV002139778.1), dbSNP rs747189986, ClinGen allele CA5904208.

ClinVar aggregate classification (germline): Uncertain significance (1 of 4 stars; one submission).

Allele frequency attached by ClinVar (database versions not stated): ExAC 0.00001.
gnomAD v4.1: 19 of 1,613,896 alleles (0.0012%); highest among the groups gnomAD compares: South Asian, 0.0055%; no homozygotes.

Submission:

Labcorp Genetics (formerly Invitae), Labcorp
Classification: Uncertain significance. Last evaluated: 2022-10-17. Review status: criteria provided, single submitter. Criteria: Invitae Variant Classification Sherloc (09022015). Collection method: clinical testing. Allele origin: germline.
Comment: This sequence change replaces arginine, which is basic and polar, with glutamine, which is neutral and polar, at codon 487 of the USH1C protein (p.Arg487Gln). This variant is present in population databases (rs747189986, gnomAD 0.01%). This variant has not been reported in the literature in individuals affected with USH1C-related conditions. Algorithms developed to predict the effect of missense changes on protein structure and function (SIFT, PolyPhen-2, Align-GVGD) all suggest that this variant is likely to be tolerated. In summary, the available evidence is currently insufficient to determine the role of this variant in disease. Therefore, it has been classified as a Variant of Uncertain Significance.